The following is an entry in ClinVar:

GRCh38/hg38 13q12.3(chr13:30336888-30830135)x1

Genes: ALOX5AP (arachidonate 5-lipoxygenase activating protein; plus strand), HMGB1 (high mobility group box 1; minus strand), LINC00398 (long intergenic non-protein coding RNA 398; plus strand), LINC00426 (long intergenic non-protein coding RNA 426; minus strand), LINC01058 (long intergenic non-protein coding RNA 1058; minus strand) and 26 more. Cytogenetic location: 13q12.3.
Variant type: copy number loss.
Change: copy number 1 (one copy instead of two) of chr13:30,336,888-30,830,135 (493.2 kb, GRCh38 coordinates, 1-based), cytogenetic band 13q12.3.
Identifiers: ClinVar variation 58144 (VCV000058144.1).

ClinVar aggregate classification (germline): Uncertain significance (1 of 4 stars; one submission).

Submission:

ISCA site 15
Classification: Uncertain significance. Last evaluated: 2011-08-12. Review status: criteria provided, single submitter. Criteria: Kaminsky et al. (Genet Med. 2011). Collection method: clinical testing. Allele origin: paternal. Affected: yes. Observed: 1 variant allele.
Comment: Copy number variation identified through the course of routine clinical cytogenomic testing in postnatal populations. Clinical assertions have been curated as described in Kaminsky et al. 2011.